The following is an entry in ClinVar:

NM_004727.3(SLC24A1):c.308C>A (p.Thr103Lys)

Gene: SLC24A1 (solute carrier family 24 member 1; plus strand). Cytogenetic location: 15q22.31.
Variant type: single nucleotide variant.
Coding change: c.308C>A on transcript NM_004727.3 (MANE Select); coding-DNA position 308, C replaced by A.
Protein change: p.Thr103Lys; replaces threonine 103 with lysine.
Molecular consequence: missense variant.
Genome position (GRCh38, 1-based): chr15:65,624,388, C>A. VCF-style: chr15-65624388-C-A. GRCh37 (hg19) VCF-style: chr15-65916726-C-A.
Other names: c.308C>A, p.Thr103Lys (NM_001301031.1, NM_001301032.1, NM_001301033.2 and 1 more transcripts); short protein forms T103K.
Identifiers: ClinVar variation 3700935 (VCV003700935.2).

ClinVar aggregate classification (germline): Uncertain significance (1 of 4 stars; one submission).

gnomAD v4.1: 8 of 1,613,468 alleles (0.0005%); highest among the groups gnomAD compares: South Asian, 0.0022%; no homozygotes.

Submission:

Labcorp Genetics (formerly Invitae), Labcorp
Classification: Uncertain significance. Last evaluated: 2024-05-19. Review status: criteria provided, single submitter. Criteria: Invitae Variant Classification Sherloc (09022015). Collection method: clinical testing. Allele origin: germline.
Comment: This sequence change replaces threonine, which is neutral and polar, with lysine, which is basic and polar, at codon 103 of the SLC24A1 protein (p.Thr103Lys). This variant is present in population databases (no rsID available, gnomAD 0.0008%). This variant has not been reported in the literature in individuals affected with SLC24A1-related conditions. An algorithm developed to predict the effect of missense changes on protein structure and function (PolyPhen-2) suggests that this variant is likely to be tolerated. In summary, the available evidence is currently insufficient to determine the role of this variant in disease. Therefore, it has been classified as a Variant of Uncertain Significance.